The following is an entry in ClinVar:

ClinVar aggregate classification (germline): Benign/Likely benign. Review status: criteria provided, multiple submitters, no conflicts (2 of 4 stars). 12 submissions from 12 submitters: Benign (8); Likely benign (1). 3 of the submissions do not count toward it. Last evaluated 2026-02-04.

Conditions:
Galactosemia. Also called: Galactose intolerance. Identifiers: Orphanet 352, MedGen C0016952, MONDO:0018116, HP:0004919. Disease mechanism: loss of function.
Deficiency of UDPglucose-hexose-1-phosphate uridylyltransferase. Also called: GALACTOSE-1-PHOSPHATE URIDYLYLTRANSFERASE DEFICIENCY; GALT deficiency; Galactosemia, classic; Transferase Deficiency Galactosemia; GALACTOSEMIA I. Identifiers: Orphanet 352, Orphanet 79239, MedGen C0268151, MONDO:0009258, OMIM 230400.

Allele frequency attached by ClinVar (database versions not stated): ExAC 0.01036; gnomAD exomes 0.00359 and 0.00877; TOPMed 0.03540; gnomAD 0.03111 and 0.03311; ESP Exome Variant Server 0.03514; 1000 Genomes Project 0.03514; 1000 Genomes Project 30x 0.03654.

Submissions (12):

Labcorp Genetics (formerly Invitae), Labcorp
Classification: Benign for Deficiency of UDPglucose-hexose-1-phosphate uridylyltransferase. Last evaluated: 2026-02-04. Review status: criteria provided, single submitter. Criteria: Invitae Variant Classification Sherloc (09022015). Collection method: clinical testing. Allele origin: germline.

ARUP Laboratories, Molecular Genetics and Genomics, ARUP Laboratories
Classification: Benign for Deficiency of UDPglucose-hexose-1-phosphate uridylyltransferase. Last evaluated: 2022-04-14. Review status: criteria provided, single submitter. Criteria: ARUP Molecular Germline Variant Investigation Process 2021. Collection method: clinical testing. Allele origin: germline.

Fulgent Genetics
Classification: Likely benign for Deficiency of UDPglucose-hexose-1-phosphate uridylyltransferase. Last evaluated: 2021-07-30. Review status: criteria provided, single submitter. Criteria: ACMG Guidelines, 2015. Collection method: clinical testing. Allele origin: unknown.

Mayo Clinic Laboratories, Mayo Clinic
Classification: Benign. Last evaluated: 2019-01-03. Review status: criteria provided, single submitter. Criteria: ACMG Guidelines, 2015. Collection method: clinical testing. Allele origin: germline. Observed: 37 variant alleles.

Eurofins Ntd Llc (ga)
Classification: Benign. Last evaluated: 2018-07-20. Review status: criteria provided, single submitter. Criteria: EGL ClinVar v180209 classification definitions. Collection method: clinical testing. Allele origin: germline. Observed: 37 variant alleles, 32 heterozygotes, 5 homozygotes.

Illumina Laboratory Services, Illumina
Classification: Benign for Deficiency of UDPglucose-hexose-1-phosphate uridylyltransferase. Last evaluated: 2018-01-12. Review status: criteria provided, single submitter. Criteria: ICSL Variant Classification Criteria 13 December 2019. Collection method: clinical testing. Allele origin: germline.
Comment: This variant was observed in the ICSL laboratory as part of a predisposition screen in an ostensibly healthy population. It had not been previously curated by ICSL or reported in the Human Gene Mutation Database (HGMD: prior to June 1st, 2018), and was therefore a candidate for classification through an automated scoring system. Utilizing variant allele frequency, disease prevalence and penetrance estimates, and inheritance mode, an automated score was calculated to assess if this variant is too frequent to cause the disease. Based on the score and internal cut-off values, a variant classified as benign is not then subjected to further curation. The score for this variant resulted in a classification of benign for this disease.

GeneDx
Classification: Benign. Last evaluated: 2016-07-06. Review status: criteria provided, single submitter. Criteria: GeneDx Variant Classification (06012015). Collection method: clinical testing. Allele origin: germline. Affected: yes.
Comment: This variant is considered likely benign or benign based on one or more of the following criteria: it is a conservative change, it occurs at a poorly conserved position in the protein, it is predicted to be benign by multiple in silico algorithms, and/or has population frequency not consistent with disease.

Breakthrough Genomics
Classification: Benign. Review status: criteria provided, single submitter. Criteria: ACMG Guidelines, 2015. Collection method: not provided. Allele origin: germline. Inheritance: Autosomal recessive inheritance. Affected: yes.

PreventionGenetics, part of Exact Sciences
Classification: Benign. Review status: criteria provided, single submitter. Criteria: ACMG Guidelines, 2015. Collection method: clinical testing. Allele origin: germline.

Natera, Inc.
Classification: Benign for Galactosemia. Last evaluated: 2017-03-29. Review status: no assertion criteria provided. Collection method: clinical testing. Allele origin: germline. Not counted in ClinVar's aggregate classification.

Women's Health and Genetics/Laboratory Corporation of America, LabCorp
Classification: Benign for Deficiency of UDPglucose-hexose-1-phosphate uridylyltransferase. Last evaluated: 2010-08-16. Review status: no assertion criteria provided. Collection method: clinical testing. Allele origin: germline. Not counted in ClinVar's aggregate classification.

Department of Pathology and Laboratory Medicine, Sinai Health System
Classification: Uncertain significance. Review status: no assertion criteria provided. Collection method: clinical testing. Allele origin: unknown. Affected: yes. Observed: 1 variant allele. Study: The Canadian Open Genetics Repository (COGR). Not counted in ClinVar's aggregate classification.

NM_000155.4(GALT):c.945T>C (p.His315=)

Gene: GALT (galactose-1-phosphate uridylyltransferase; plus strand). Cytogenetic location: 9p13.3.
Variant type: single nucleotide variant.
Coding change: c.945T>C on transcript NM_000155.4 (MANE Select); coding-DNA position 945, T replaced by C.
Protein change: p.His315=; no amino-acid change (histidine 315 retained).
Molecular consequence: synonymous variant.
Genome position (GRCh38, 1-based): chr9:34,649,450, T>C. VCF-style: chr9-34649450-T-C. GRCh37 (hg19) VCF-style: chr9-34649447-T-C.
Other names: H315H; p.His315=; c.618T>C, p.His206= (NM_001258332.2).
Identifiers: ClinVar variation 36160 (VCV000036160.34), dbSNP rs61735982, ClinGen allele CA145831.
Genomic context (GRCh38, chr9:34,649,450, plus strand): 5'-GTCTCTCTTCTTTCTGTCAGGGGCTCCCACAGGATCAGAGGCTGGGGCCAACTGGAACCA[T>C]TGGCAGCTGCACGCTCATTACTACCCTCCGCTCCTGCGCTCTGCCACTGTCCGGAAATTC-3'
Protein context (NP_000146.2, residues 305-325): TGSEAGANWN[His315=]WQLHAHYYPP